The following is an entry in ClinVar:

ClinVar aggregate classification (germline): Likely pathogenic (1 of 4 stars; one submission).

Conditions:
Neurodevelopmental-craniofacial syndrome with variable renal and cardiac abnormalities. Identifiers: MedGen C5561984, MONDO:0859190, OMIM 619522.

Submission:

Variantyx, Inc.
Classification: Likely pathogenic for Neurodevelopmental-craniofacial syndrome with variable renal and cardiac abnormalities. Last evaluated: 2025-06-04. Review status: criteria provided, single submitter. Criteria: Variantyx Assertion Criteria 2022. Collection method: clinical testing. Allele origin: germline. Inheritance: Autosomal dominant inheritance. Affected: no.
Comment: This is a nonsense variant in the ZMYM2 gene (OMIM: 602221). Pathogenic variants in this gene have been associated with autosomal dominant neurodevelopmental-craniofacial syndrome with variable renal and cardiac abnormalities. This variant introduces a premature termination codon in exon 3 out of 25 and is expected to result in loss of function, which is a known disease mechanism for ZMYM2 in this disorder (PMID: 32891193) (PVS1). This variant is absent from control populations (PM2) and it has not been reported in individuals with ZMYM2-related disorders in the databases available for review. Based on the current evidence, this variant is classified as likely pathogenic for autosomal dominant neurodevelopmental-craniofacial syndrome with variable renal and cardiac abnormalities.

Literature cited by the submitters: PubMed 32891193.

NM_197968.4(ZMYM2):c.691G>T (p.Gly231Ter)

Gene: ZMYM2 (zinc finger MYM-type containing 2; plus strand). Cytogenetic location: 13q12.11.
Variant type: single nucleotide variant.
Coding change: c.691G>T on transcript NM_197968.4 (MANE Select); coding-DNA position 691, G replaced by T.
Protein change: p.Gly231Ter; replaces glycine 231 with a stop codon.
Molecular consequence: nonsense. On other transcripts: non-coding transcript variant (1), intron variant (2).
Genome position (GRCh38, 1-based): chr13:19,993,763, G>T. VCF-style: chr13-19993763-G-T. GRCh37 (hg19) VCF-style: chr13-20567903-G-T.
Other names: c.493-63G>T (NM_001353163.2); c.559-63G>T (NM_001353161.3); c.691G>T, p.Gly231Ter (NM_001190964.4, NM_001190965.4, NM_001353157.2 and 5 more transcripts); short protein forms G231*.
Identifiers: ClinVar variation 4850204 (VCV004850204.1).
Genomic context (GRCh38, chr13:19,993,763, plus strand): 5'-AACTTAATGATTACACATGTAACATCACTGCAGAATACCAACTTGGGAGATGTCTCTAAC[G>T]GACTGCAGTCAAGTAATTTTGGTGTTAATATACAAACATACACCCCATCTTTAACTTCAC-3'